The following is an entry in ClinVar:

NM_001889.4(CRYZ):c.481-4T>C

Gene: CRYZ (crystallin zeta; minus strand). Cytogenetic location: 1p31.1.
Variant type: single nucleotide variant.
Coding change: c.481-4T>C on transcript NM_001889.4 (MANE Select); 4 bases into the intron before coding-DNA position 481, T replaced by C.
Molecular consequence: intron variant.
Genome position (GRCh38, 1-based): chr1:74,710,251, A>G on the plus strand (T>C on the coding strand, the complement: CRYZ is on the minus strand). VCF-style: chr1-74710251-A-G. GRCh37 (hg19) VCF-style: chr1-75175935-A-G.
Other names: c.70-4T>C (NM_001134759.2); c.481-4T>C (NM_001130043.2, NM_001130042.2).
Identifiers: ClinVar variation 4989450 (VCV004989450.1).

ClinVar aggregate classification (germline): Likely benign (1 of 4 stars; one submission).

Conditions:
CRYZ-related disorder. Also called: CRYZ-related condition.

gnomAD v4.1: 409 of 1,613,266 alleles (0.025%); highest among the groups gnomAD compares: African/African-American, 0.5%; 3 homozygotes.

Submission:

PreventionGenetics, part of Exact Sciences
Classification: Likely benign for CRYZ-related condition. Last evaluated: 2026-06-22. Review status: criteria provided, single submitter. Criteria: ACMG Guidelines, 2015. Collection method: clinical testing. Allele origin: germline.
Comment: This variant is classified as likely benign based on ACMG/AMP sequence variant interpretation guidelines (Richards et al. 2015 PMID: 25741868, with internal and published modifications).